The following is an entry in ClinVar:

ClinVar aggregate classification (germline): Uncertain significance (1 of 4 stars; one submission).

Submission:

GeneDx
Classification: Uncertain significance. Last evaluated: 2025-10-23. Review status: criteria provided, single submitter. Criteria: GeneDx Variant Classification Process June 2021. Collection method: clinical testing. Allele origin: germline.
Comment: In-frame deletion of 2 amino acid(s) in a non-repeat region; Not observed at significant frequency in large population cohorts (gnomAD); In silico analysis suggests that this variant does not alter protein structure/function; Has not been previously published as pathogenic or benign to our knowledge

NM_032108.4(SEMA6B):c.2169GCACCC[1] (p.723PH[2])

Gene: SEMA6B (semaphorin 6B; minus strand). Cytogenetic location: 19p13.3.
Variant type: Microsatellite.
Coding change: c.2169GCACCC[1] on transcript NM_032108.4 (MANE Select); one copy of the 6-base unit GCACCC starting at c.2169; the reference has two copies in a row; one copy, 6 bases deleted.
Protein change: p.723PH[2].
Genome position (GRCh38, 1-based): chr19:4,544,088-4,544,093, GGGTGC deleted on the plus strand (GCACCC on the coding strand, the reverse complement: SEMA6B is on the minus strand); deleting any 6 consecutive bases within chr19:4,544,088-4,544,101 gives the same sequence; the position shown is the placement nearest the transcript's 3' end. VCF-style (leftmost placement, unchanged base first): chr19-4544087-GGGGTGC-G. GRCh37 (hg19) VCF-style: chr19-4544099-GGGGTGC-G.
Identifiers: ClinVar variation 3365612 (VCV003365612.2).